The following is an entry in ClinVar:

ClinVar aggregate classification (germline): Conflicting classifications of pathogenicity. Review status: criteria provided, conflicting classifications (1 of 4 stars). 5 submissions from 5 submitters: Uncertain significance (4); Likely benign (1). Last evaluated 2026-01-08.

Conditions:
Hereditary cancer-predisposing syndrome. Also called: Neoplastic Syndromes, Hereditary; Tumor predisposition; Hereditary Cancer Syndrome; Hereditary neoplastic syndrome. Identifiers: Orphanet 140162, MedGen C0027672, MeSH D009386, MONDO:0015356.
Hereditary nonpolyposis colorectal neoplasms. Identifiers: MedGen C0009405, MeSH D003123.
Lynch syndrome. Identifiers: Orphanet 144, MedGen C4552100, MONDO:0005835. Disease mechanism: loss of function.

gnomAD v4.1: 2 of 1,612,188 alleles (0.00012%); highest among the groups gnomAD compares: Non-Finnish European, 0.00017%; no homozygotes.

Submissions (5):

Labcorp Genetics (formerly Invitae), Labcorp
Classification: Uncertain significance for Hereditary nonpolyposis colorectal neoplasms. Last evaluated: 2026-01-08. Review status: criteria provided, single submitter. Criteria: Invitae Variant Classification Sherloc (09022015). Collection method: clinical testing. Allele origin: germline.
Comment: This sequence change replaces asparagine, which is neutral and polar, with lysine, which is basic and polar, at codon 21 of the MSH6 protein (p.Asn21Lys). This variant is not present in population databases (gnomAD no frequency). This missense change has been observed in individual(s) with clinical features of MSH6-related conditions (PMID: 21520333). ClinVar contains an entry for this variant (Variation ID: 232956). Invitae Evidence Modeling of protein sequence and biophysical properties (such as structural, functional, and spatial information, amino acid conservation, physicochemical variation, residue mobility, and thermodynamic stability) indicates that this missense variant is not expected to disrupt MSH6 protein function with a negative predictive value of 95%. In summary, the available evidence is currently insufficient to determine the role of this variant in disease. Therefore, it has been classified as a Variant of Uncertain Significance.

Color Diagnostics, LLC DBA Color Health
Classification: Uncertain significance for Hereditary cancer-predisposing syndrome. Last evaluated: 2025-10-07. Review status: criteria provided, single submitter. Criteria: ACMG Guidelines, 2015. Collection method: clinical testing. Allele origin: germline.
Comment: This missense variant replaces asparagine with lysine at codon 21 of the MSH6 protein. Computational prediction suggests that this variant may not impact protein structure and function. To our knowledge, functional studies have not been reported for this variant. This variant has not been reported in individuals affected with MSH6-related disorders in the literature. This variant has been identified in 2/1459860 chromosomes in the general population by the Genome Aggregation Database (gnomAD). The available evidence is insufficient to determine the role of this variant in disease conclusively. Therefore, this variant is classified as a Variant of Uncertain Significance.

All of Us Research Program, National Institutes of Health
Classification: Uncertain significance for Lynch syndrome. Last evaluated: 2023-02-24. Review status: criteria provided, single submitter. Criteria: ACMG Guidelines, 2015. Collection method: clinical testing. Allele origin: germline. Inheritance: Autosomal dominant inheritance. Observed: 1 variant allele, 1 heterozygote.
Comment: This missense variant replaces asparagine with lysine at codon 21 of the MSH6 protein. Computational prediction suggests that this variant may not impact protein structure and function (internally defined REVEL score threshold <= 0.5, PMID: 27666373). To our knowledge, functional studies have not been reported for this variant. This variant has not been reported in individuals affected with MSH6-related disorders in the literature. This variant has not been identified in the general population by the Genome Aggregation Database (gnomAD). The available evidence is insufficient to determine the role of this variant in disease conclusively. Therefore, this variant is classified as a Variant of Uncertain Significance.

This study involves interpretation of variants in research participants for the purpose of population health screening. Participant phenotype was not available at the time of variant classification. Additional details can be found in publication PMID: 35346344, PMCID: PMC8962531

GeneDx
Classification: Uncertain significance. Last evaluated: 2020-11-23. Review status: criteria provided, single submitter. Criteria: GeneDx Variant Classification Process June 2021. Collection method: clinical testing. Allele origin: germline. Affected: yes.
Comment: Not observed in large population cohorts (Lek 2016); In silico analysis supports that this missense variant does not alter protein structure/function; Has not been previously published as pathogenic or benign to our knowledge

Ambry Genetics
Classification: Likely benign for Hereditary cancer-predisposing syndrome. Last evaluated: 2019-02-06. Review status: criteria provided, single submitter. Criteria: Ambry Variant Classification Scheme 2023. Collection method: clinical testing. Allele origin: germline.

Literature cited by the submitters: PubMed 21520333 (cited by Labcorp Genetics (formerly Invitae), Labcorp).

NM_000179.3(MSH6):c.63C>G (p.Asn21Lys)

Gene: MSH6 (mutS homolog 6; plus strand). Cytogenetic location: 2p16.3.
Variant type: single nucleotide variant.
Coding change: c.63C>G on transcript NM_000179.3 (MANE Select); coding-DNA position 63, C replaced by G.
Protein change: p.Asn21Lys; replaces asparagine 21 with lysine.
Molecular consequence: missense variant. On other transcripts: 5 prime UTR variant (1).
Genome position (GRCh38, 1-based): chr2:47,783,296, C>G. VCF-style: chr2-47783296-C-G. GRCh37 (hg19) VCF-style: chr2-48010435-C-G.
Other names: c.63C>G, p.Asn21Lys (NM_001281492.2); c.-674C>G (NM_001281493.2); short protein forms N21K.
Identifiers: ClinVar variation 232956 (VCV000232956.17), dbSNP rs876660097, ClinGen allele CA10578021.
Genomic context (GRCh38, chr2:47,783,296, plus strand): 5'-GTCGCGACAGAGCACCCTGTACAGCTTCTTCCCCAAGTCTCCGGCGCTGAGTGATGCCAA[C>G]AAGGCCTCGGCCAGGGCCTCACGCGAAGGCGGCCGTGCCGCCGCTGCCCCCGGGGCCTCT-3'
Protein context (NP_000170.1, residues 11-31): FPKSPALSDA[Asn21Lys]KASARASREG